The following is an entry in ClinVar:

NM_198253.3(TERT):c.1367G>C (p.Ser456Thr)

Gene: TERT (telomerase reverse transcriptase; minus strand). Cytogenetic location: 5p15.33.
Variant type: single nucleotide variant.
Coding change: c.1367G>C on transcript NM_198253.3 (MANE Select); coding-DNA position 1367, G replaced by C.
Protein change: p.Ser456Thr; replaces serine 456 with threonine.
Molecular consequence: missense variant. On other transcripts: non-coding transcript variant (2).
Genome position (GRCh38, 1-based): chr5:1,293,519, C>G on the plus strand (G>C on the coding strand, the complement: TERT is on the minus strand). VCF-style: chr5-1293519-C-G. GRCh37 (hg19) VCF-style: chr5-1293634-C-G.
Other names: c.1367G>C, p.Ser456Thr (NM_001193376.3, NM_003219.1); short protein forms S456T.
Identifiers: ClinVar variation 1770955 (VCV001770955.2), dbSNP rs2478410757, ClinGen allele CA359085987.
Genomic context (GRCh38, chr5:1,293,519, plus strand): 5'-CCTGGGGGCACCAGCCGGCGCAGGCAGGCCCGCACGAAGCCGTACACCTGCCAGGGGCTG[C>G]TGTGCTGGCGGAGCAGCTGCACCAGGCGACGGGGGTCTGTGTCCTCCTCCTCGGGGGCCG-3'
Protein context (NP_937983.2, residues 446-466): RRLVQLLRQH[Ser456Thr]SPWQVYGFVR

ClinVar aggregate classification (germline): Uncertain significance (1 of 4 stars; one submission).

Conditions:
Dyskeratosis congenita. Identifiers: Orphanet 1775, MedGen C0265965, MONDO:0015780.

Submission:

Ambry Genetics
Classification: Uncertain significance for Dyskeratosis congenita. Last evaluated: 2022-05-07. Review status: criteria provided, single submitter. Criteria: Ambry Variant Classification Scheme 2023. Collection method: clinical testing. Allele origin: germline.
Comment: The p.S456T variant (also known as c.1367G>C), located in coding exon 2 of the TERT gene, results from a G to C substitution at nucleotide position 1367. The serine at codon 456 is replaced by threonine, an amino acid with similar properties. This amino acid position is conserved. In addition, the in silico prediction for this alteration is inconclusive. Since supporting evidence is limited at this time, the clinical significance of this alteration remains unclear.